The following is an entry in ClinVar:

NM_001478.5(B4GALNT1):c.431C>T (p.Pro144Leu)

Gene: B4GALNT1 (beta-1,4-N-acetyl-galactosaminyltransferase 1; minus strand). Cytogenetic location: 12q13.3.
Variant type: single nucleotide variant.
Coding change: c.431C>T on transcript NM_001478.5 (MANE Select); coding-DNA position 431, C replaced by T.
Protein change: p.Pro144Leu; replaces proline 144 with leucine.
Molecular consequence: missense variant.
Genome position (GRCh38, 1-based): chr12:57,631,039, G>A on the plus strand (C>T on the coding strand, the complement: B4GALNT1 is on the minus strand). VCF-style: chr12-57631039-G-A. GRCh37 (hg19) VCF-style: chr12-58024822-G-A.
Other names: c.431C>T (NM_001478.3); c.266C>T, p.Pro89Leu (NM_001276468.2); c.431C>T, p.Pro144Leu (NM_001276469.2); short protein forms P144L, P89L.
Identifiers: ClinVar variation 1398952 (VCV001398952.6), dbSNP rs370194213, ClinGen allele CA6655775.

ClinVar aggregate classification (germline): Uncertain significance. Review status: criteria provided, multiple submitters, no conflicts (2 of 4 stars). 2 submissions from 2 submitters: Uncertain significance (2). Last evaluated 2025-10-06.

Conditions:
Spastic paraplegia. Identifiers: MedGen C0037772, HP:0001258.
Inborn genetic diseases. Identifiers: MedGen C0950123, MeSH D030342.

Allele frequency attached by ClinVar (database versions not stated): TOPMed 0.00003; gnomAD 0.00004 and 0.00005; gnomAD exomes 0.00004; ExAC 0.00007; ESP Exome Variant Server 0.00015.
gnomAD v4.1: 32 of 1,613,042 alleles (0.002%); highest among the groups gnomAD compares: South Asian, 0.0033%; no homozygotes.

Submissions (2):

Labcorp Genetics (formerly Invitae), Labcorp
Classification: Uncertain significance for Spastic paraplegia. Last evaluated: 2025-10-06. Review status: criteria provided, single submitter. Criteria: Invitae Variant Classification Sherloc (09022015). Collection method: clinical testing. Allele origin: germline.
Comment: This sequence change replaces proline, which is neutral and non-polar, with leucine, which is neutral and non-polar, at codon 144 of the B4GALNT1 protein (p.Pro144Leu). This variant is present in population databases (rs370194213, gnomAD 0.007%). This variant has not been reported in the literature in individuals affected with B4GALNT1-related conditions. ClinVar contains an entry for this variant (Variation ID: 1398952). Invitae Evidence Modeling of protein sequence and biophysical properties (such as structural, functional, and spatial information, amino acid conservation, physicochemical variation, residue mobility, and thermodynamic stability) indicates that this missense variant is expected to disrupt B4GALNT1 protein function with a positive predictive value of 80%. In summary, the available evidence is currently insufficient to determine the role of this variant in disease. Therefore, it has been classified as a Variant of Uncertain Significance.

Ambry Genetics
Classification: Uncertain significance for Inborn genetic diseases. Last evaluated: 2023-12-14. Review status: criteria provided, single submitter. Criteria: Ambry Variant Classification Scheme 2023. Collection method: clinical testing. Allele origin: germline.